The following is an entry in ClinVar:

ClinVar aggregate classification (germline): Uncertain significance (1 of 4 stars; one submission).

Conditions:
Joubert syndrome. Also called: JOUBERT-BOLTSHAUSER SYNDROME; Familial aplasia of the vermis. Identifiers: Orphanet 475, MedGen C5979921, MONDO:0018772.
Meckel-Gruber syndrome. Also called: DYSENCEPHALIA SPLANCHNOCYSTICA; GRUBER SYNDROME; Dysencephalia splachnocystica. Identifiers: Orphanet 564, MedGen C0265215, MONDO:0018921.

Allele frequency attached by ClinVar (database versions not stated): gnomAD exomes below 0.00001; gnomAD 0.00001; TOPMed 0.00001; 1000 Genomes Project 30x 0.00031.
gnomAD v4.1: 6 of 1,608,934 alleles (0.00037%); highest among the groups gnomAD compares: African/African-American, 0.0053%; no homozygotes.

Submission:

Labcorp Genetics (formerly Invitae), Labcorp
Classification: Uncertain significance for Joubert syndrome; Meckel-Gruber syndrome. Last evaluated: 2022-09-06. Review status: criteria provided, single submitter. Criteria: Invitae Variant Classification Sherloc (09022015). Collection method: clinical testing. Allele origin: germline.
Comment: In summary, the available evidence is currently insufficient to determine the role of this variant in disease. Therefore, it has been classified as a Variant of Uncertain Significance. Advanced modeling of protein sequence and biophysical properties (such as structural, functional, and spatial information, amino acid conservation, physicochemical variation, residue mobility, and thermodynamic stability) performed at Invitae indicates that this missense variant is not expected to disrupt CC2D2A protein function. This variant has not been reported in the literature in individuals affected with CC2D2A-related conditions. This variant is present in population databases (no rsID available, gnomAD 0.01%). This sequence change replaces glutamic acid, which is acidic and polar, with aspartic acid, which is acidic and polar, at codon 761 of the CC2D2A protein (p.Glu761Asp).

NM_001378615.1(CC2D2A):c.2283A>C (p.Glu761Asp)

Genes: CC2D2A (coiled-coil and C2 domain containing 2A; plus strand), FBXL5 (F-box and leucine rich repeat protein 5; minus strand). Cytogenetic location: 4p15.32.
Variant type: single nucleotide variant.
Coding change: c.2283A>C on transcript NM_001378615.1 (MANE Select); coding-DNA position 2283, A replaced by C.
Protein change: p.Glu761Asp; replaces glutamic acid 761 with aspartic acid.
Molecular consequence: missense variant.
Genome position (GRCh38, 1-based): chr4:15,550,925, A>C. VCF-style: chr4-15550925-A-C. GRCh37 (hg19) VCF-style: chr4-15552548-A-C.
Other names: c.2283A>C, p.Glu761Asp (NM_001080522.2); c.2136A>C, p.Glu712Asp (NM_001378617.1); short protein forms E712D, E761D.
Identifiers: ClinVar variation 2086109 (VCV002086109.4), dbSNP rs1325342502, ClinGen allele CA356417278.